The following is an entry in ClinVar:

ClinVar aggregate classification (germline): Uncertain significance. Review status: criteria provided, multiple submitters, no conflicts (2 of 4 stars). 2 submissions from 2 submitters: Uncertain significance (2). Last evaluated 2025-02-05.

Conditions:
Neuroblastoma, susceptibility to, 3. Also called: ALK-Related Neuroblastic Tumor Susceptibility. Identifiers: Orphanet 635, MedGen C2751681, MONDO:0013083, OMIM 613014.
Hereditary cancer-predisposing syndrome. Also called: Tumor predisposition; Hereditary neoplastic syndrome; Neoplastic Syndromes, Hereditary; Hereditary Cancer Syndrome. Identifiers: Orphanet 140162, MedGen C0027672, MeSH D009386, MONDO:0015356.

Allele frequency attached by ClinVar (database versions not stated): gnomAD exomes below 0.00001.
gnomAD v4.1: 2 of 1,613,814 alleles (0.00012%); highest among the groups gnomAD compares: Non-Finnish European, 0.00017%; no homozygotes.

Submissions (2):

Ambry Genetics
Classification: Uncertain significance for Hereditary cancer-predisposing syndrome. Last evaluated: 2025-02-05. Review status: criteria provided, single submitter. Criteria: Ambry Variant Classification Scheme 2023. Collection method: clinical testing. Allele origin: germline.
Comment: The p.H1063Y variant (also known as c.3187C>T), located in coding exon 20 of the ALK gene, results from a C to T substitution at nucleotide position 3187. The histidine at codon 1063 is replaced by tyrosine, an amino acid with similar properties. This amino acid position is conserved. In addition, the in silico prediction for this alteration is inconclusive. Based on the available evidence, the clinical significance of this variant remains unclear.

Labcorp Genetics (formerly Invitae), Labcorp
Classification: Uncertain significance for Neuroblastoma, susceptibility to, 3. Last evaluated: 2024-10-24. Review status: criteria provided, single submitter. Criteria: Invitae Variant Classification Sherloc (09022015). Collection method: clinical testing. Allele origin: germline.
Comment: This sequence change replaces histidine, which is basic and polar, with tyrosine, which is neutral and polar, at codon 1063 of the ALK protein (p.His1063Tyr). This variant is not present in population databases (gnomAD no frequency). This variant has not been reported in the literature in individuals affected with ALK-related conditions. ClinVar contains an entry for this variant (Variation ID: 940487). An algorithm developed to predict the effect of missense changes on protein structure and function (PolyPhen-2) suggests that this variant is likely to be disruptive. In summary, the available evidence is currently insufficient to determine the role of this variant in disease. Therefore, it has been classified as a Variant of Uncertain Significance.

NM_004304.5(ALK):c.3187C>T (p.His1063Tyr)

Gene: ALK (ALK receptor tyrosine kinase; minus strand). Cytogenetic location: 2p23.2.
Variant type: single nucleotide variant.
Coding change: c.3187C>T on transcript NM_004304.5 (MANE Select); coding-DNA position 3187, C replaced by T.
Protein change: p.His1063Tyr; replaces histidine 1063 with tyrosine.
Molecular consequence: missense variant. On other transcripts: 5 prime UTR variant (1).
Genome position (GRCh38, 1-based): chr2:29,223,514, G>A on the plus strand (C>T on the coding strand, the complement: ALK is on the minus strand). VCF-style: chr2-29223514-G-A. GRCh37 (hg19) VCF-style: chr2-29446380-G-A.
Other names: c.-18C>T (NM_001353765.2); short protein forms H1063Y.
Identifiers: ClinVar variation 940487 (VCV000940487.10), dbSNP rs1669867065, ClinGen allele CA346465687.